The following is an entry in ClinVar:

NM_001127898.4(CLCN5):c.1394T>G (p.Leu465Arg)

Gene: CLCN5 (chloride voltage-gated channel 5; plus strand). Cytogenetic location: Xp11.23.
Variant type: single nucleotide variant.
Coding change: c.1394T>G on transcript NM_001127898.4 (MANE Select); coding-DNA position 1394, T replaced by G.
Protein change: p.Leu465Arg; replaces leucine 465 with arginine.
Molecular consequence: missense variant.
Genome position (GRCh38, 1-based): chrX:50,086,707, T>G. VCF-style: chrX-50086707-T-G. GRCh37 (hg19) VCF-style: chrX-49851364-T-G.
Other names: c.1184T>G, p.Leu395Arg (NM_000084.5); c.1394T>G, p.Leu465Arg (NM_001127899.4); c.1244T>G, p.Leu415Arg (NM_001282163.2); c.1184T>G (NM_000084.2); short protein forms L395R, L465R, L415R.
Identifiers: ClinVar variation 1492930 (VCV001492930.9), dbSNP rs782359395, ClinGen allele CA329782445.

ClinVar aggregate classification (germline): Uncertain significance. Review status: criteria provided, multiple submitters, no conflicts (2 of 4 stars). 2 submissions from 2 submitters: Uncertain significance (2). Last evaluated 2025-03-28.

Conditions:
Inborn genetic diseases. Identifiers: MedGen C0950123, MeSH D030342.

Allele frequency attached by ClinVar (database versions not stated): TOPMed below 0.00001; gnomAD 0.00002; gnomAD exomes 0.00002.
gnomAD v4.1: 19 of 1,209,050 alleles (0.0016%); highest among the groups gnomAD compares: Non-Finnish European, 0.0021%; no homozygotes.

Submissions (2):

Ambry Genetics
Classification: Uncertain significance for Inborn genetic diseases. Last evaluated: 2025-03-28. Review status: criteria provided, single submitter. Criteria: Ambry Variant Classification Scheme 2023. Collection method: clinical testing. Allele origin: germline.

Labcorp Genetics (formerly Invitae), Labcorp
Classification: Uncertain significance. Last evaluated: 2023-04-03. Review status: criteria provided, single submitter. Criteria: Invitae Variant Classification Sherloc (09022015). Collection method: clinical testing. Allele origin: germline.
Comment: This variant is present in population databases (rs782359395, gnomAD 0.01%). This sequence change replaces leucine, which is neutral and non-polar, with arginine, which is basic and polar, at codon 395 of the CLCN5 protein (p.Leu395Arg). This variant has not been reported in the literature in individuals affected with CLCN5-related conditions. ClinVar contains an entry for this variant (Variation ID: 1492930). An algorithm developed to predict the effect of missense changes on protein structure and function (PolyPhen-2) suggests that this variant is likely to be disruptive. In summary, the available evidence is currently insufficient to determine the role of this variant in disease. Therefore, it has been classified as a Variant of Uncertain Significance.